The following is an entry in ClinVar:

NM_138694.4(PKHD1):c.6808+1G>T

Gene: PKHD1 (PKHD1 ciliary IPT domain containing fibrocystin/polyductin; minus strand). Cytogenetic location: 6p12.2.
Variant type: single nucleotide variant.
Coding change: c.6808+1G>T on transcript NM_138694.4 (MANE Select); the canonical splice donor site of the intron after coding-DNA position 6808, G replaced by T.
Molecular consequence: splice donor variant.
Genome position (GRCh38, 1-based): chr6:51,906,214, C>A on the plus strand (G>T on the coding strand, the complement: PKHD1 is on the minus strand). VCF-style: chr6-51906214-C-A. GRCh37 (hg19) VCF-style: chr6-51771012-C-A.
Other names: c.6808+1G>T (NM_170724.3).
Identifiers: ClinVar variation 951480 (VCV000951480.16), dbSNP rs1217968843, ClinGen allele CA364432273.

ClinVar aggregate classification (germline): Pathogenic/Likely pathogenic. Review status: criteria provided, multiple submitters, no conflicts (2 of 4 stars). 4 submissions from 4 submitters: Pathogenic (1); Likely pathogenic (2). 1 of the submissions does not count toward it. Last evaluated 2025-03-28.

Conditions:
PKHD1-related disorder. Also called: PKHD1-related condition.
Autosomal recessive polycystic kidney disease (ARPKD). Also called: AR polycystic kidney disease. Identifiers: Orphanet 731, Orphanet 8378, MedGen C0085548, MeSH D017044, MONDO:0009889.
Polycystic kidney disease 4 (PKD4). Also called: PKD3; Autosomal Recessive Polycystic Kidney Disease – PKHD1; POLYCYSTIC KIDNEY AND HEPATIC DISEASE 1; POLYCYSTIC KIDNEY DISEASE, INFANTILE, TYPE I; POLYCYSTIC KIDNEY DISEASE 4 WITH OR WITHOUT POLYCYSTIC LIVER DISEASE. Identifiers: MedGen C4540575, MONDO:0033004, OMIM 263200.

Allele frequency attached by ClinVar (database versions not stated): gnomAD exomes below 0.00001; gnomAD 0.00001; TOPMed 0.00001.
gnomAD v4.1: 2 of 1,611,270 alleles (0.00012%); highest among the groups gnomAD compares: Non-Finnish European, 0.00017%; no homozygotes.

Submissions (4):

Natera, Inc.
Classification: Likely pathogenic for Autosomal recessive polycystic kidney disease. Last evaluated: 2025-03-28. Review status: criteria provided, single submitter. Criteria: Natera Variant Classification Schema (03/2026). Collection method: clinical testing. Allele origin: germline.
Comment: The c.6808+1G>T variant in PKHD1 is a canonical splice donor site variant predicted to affect pre-mRNA splicing, which may result in an abnormal transcript and altered protein product. This variant is expected to result in nonsense mediated decay, truncation, or a dysfunctional protein product. This variant is rare in the general population with a frequency below the threshold expected for the associated phenotype(s). Given the available evidence, this variant is classified as Likely Pathogenic.

Labcorp Genetics (formerly Invitae), Labcorp
Classification: Pathogenic for Autosomal recessive polycystic kidney disease. Last evaluated: 2023-04-09. Review status: criteria provided, single submitter. Criteria: Invitae Variant Classification Sherloc (09022015). Collection method: clinical testing. Allele origin: germline.
Comment: For these reasons, this variant has been classified as Pathogenic. Algorithms developed to predict the effect of sequence changes on RNA splicing suggest that this variant may disrupt the consensus splice site. ClinVar contains an entry for this variant (Variation ID: 951480). Disruption of this splice site has been observed in individual(s) with polycystic kidney disease (Invitae). In at least one individual the data is consistent with being in trans (on the opposite chromosome) from a pathogenic variant. This variant is present in population databases (no rsID available, gnomAD 0.0009%). This sequence change affects a donor splice site in intron 41 of the PKHD1 gene. It is expected to disrupt RNA splicing. Variants that disrupt the donor or acceptor splice site typically lead to a loss of protein function (PMID: 16199547), and loss-of-function variants in PKHD1 are known to be pathogenic (PMID: 19940839).

Baylor Genetics
Classification: Likely pathogenic for Polycystic kidney disease 4. Last evaluated: 2023-03-23. Review status: criteria provided, single submitter. Criteria: ACMG Guidelines, 2015. Collection method: clinical testing. Allele origin: unknown.

PreventionGenetics, part of Exact Sciences
Classification: Pathogenic for PKHD1-related condition. Last evaluated: 2024-03-06. Review status: no assertion criteria provided. Collection method: clinical testing. Allele origin: germline. Not counted in ClinVar's aggregate classification.
Comment: The PKHD1 c.6808+1G>T variant is predicted to disrupt the GT donor site and interfere with normal splicing. To our knowledge, this variant has not been reported in the literature. This variant is reported in 0.00088% of alleles in individuals of European (non-Finnish) descent in gnomAD. Variants that disrupt the consensus splice donor site in PKHD1 are expected to be pathogenic. Of note, a different nucleotide change at this genomic position (c.6808+1G>A) has been reported with a nonsense PKHD1 variant in an individual with autosomal recessive polycystic kidney disease (ARPKD) and a minigene assay revealed that expression of the c.6808+1G>A variant resulted in an in-frame skipping of exon 41 (Patient SC499 and Figure 2, Ishiko et al. 2022. PubMed ID: 34536170). Taken together, the c.6808+1G>T variant is interpreted as pathogenic.

Literature cited by the submitters: PubMed 16199547 (cited by Labcorp Genetics (formerly Invitae), Labcorp); PubMed 19940839 (cited by Labcorp Genetics (formerly Invitae), Labcorp).